The following is an entry in ClinVar:

ClinVar aggregate classification (germline): Uncertain significance (1 of 4 stars; one submission).

Conditions:
Juvenile polyposis syndrome (JPS). Identifiers: Orphanet 2929, MedGen C0345893, MONDO:0017380, OMIM 174900.

Submission:

Labcorp Genetics (formerly Invitae), Labcorp
Classification: Uncertain significance for Juvenile polyposis syndrome. Last evaluated: 2024-05-13. Review status: criteria provided, single submitter. Criteria: Invitae Variant Classification Sherloc (09022015). Collection method: clinical testing. Allele origin: germline.
Comment: This sequence change falls in intron 7 of the SMAD4 gene. It does not directly change the encoded amino acid sequence of the SMAD4 protein. It affects a nucleotide within the consensus splice site. This variant is not present in population databases (gnomAD no frequency). This variant has not been reported in the literature in individuals affected with SMAD4-related conditions. ClinVar contains an entry for this variant (Variation ID: 944348). Variants that disrupt the consensus splice site are a relatively common cause of aberrant splicing (PMID: 17576681, 9536098). Algorithms developed to predict the effect of sequence changes on RNA splicing suggest that this variant is not likely to affect RNA splicing. In summary, the available evidence is currently insufficient to determine the role of this variant in disease. Therefore, it has been classified as a Variant of Uncertain Significance.

Literature cited by the submitters: PubMed 17576681; PubMed 9536098.

NM_005359.6(SMAD4):c.904+6C>G

Gene: SMAD4 (SMAD family member 4; plus strand). Cytogenetic location: 18q21.2.
Variant type: single nucleotide variant.
Coding change: c.904+6C>G on transcript NM_005359.6 (MANE Select); 6 bases into the intron after coding-DNA position 904, C replaced by G.
Molecular consequence: intron variant.
Genome position (GRCh38, 1-based): chr18:51,058,462, C>G. VCF-style: chr18-51058462-C-G. GRCh37 (hg19) VCF-style: chr18-48584832-C-G.
Identifiers: ClinVar variation 944348 (VCV000944348.9), dbSNP rs1909906368, ClinGen allele CA1139666069.
Genomic context (GRCh38, chr18:51,058,462, plus strand): 5'-CAAAACGGCCATCTTCAGCACCACCCGCCTATGCCGCCCCATCCCGGACATTACTGTAAG[C>G]TCTTGTTTTTGTTGTAAGGGCTATTTTTTTTTTTTTTTTGGTAGGGCTTTGTTTTCTGTT-3'